The following is an entry in ClinVar:

ClinVar aggregate classification (germline): Pathogenic. Review status: criteria provided, multiple submitters, no conflicts (2 of 4 stars). 2 submissions from 2 submitters: Pathogenic (2). Last evaluated 2024-02-23.

Conditions:
Early-infantile DEE. Also called: Early infantile epileptic encephalopathy; Ohtahara syndrome; Early infantile epileptic encephalopathy with suppression bursts. Identifiers: Orphanet 1934, MedGen C0393706, MONDO:0800491.
Generalized epilepsy with febrile seizures plus, type 2 (GEFSP2). Also called: GEFS+, TYPE 2. Identifiers: Orphanet 36387, MedGen C1858673, MONDO:0011461, OMIM 604403.

Submissions (2):

Labcorp Genetics (formerly Invitae), Labcorp
Classification: Pathogenic for Early-infantile DEE. Last evaluated: 2024-02-23. Review status: criteria provided, single submitter. Criteria: Invitae Variant Classification Sherloc (09022015). Collection method: clinical testing. Allele origin: germline.
Comment: This sequence change replaces phenylalanine, which is neutral and non-polar, with leucine, which is neutral and non-polar, at codon 945 of the SCN1A protein (p.Phe945Leu). This variant is not present in population databases (gnomAD no frequency). This missense change has been observed in individual(s) with SCN1A-related conditions (PMID: 17347258, 30558019). In at least one individual the variant was observed to be de novo. ClinVar contains an entry for this variant (Variation ID: 838246). Advanced modeling of protein sequence and biophysical properties (such as structural, functional, and spatial information, amino acid conservation, physicochemical variation, residue mobility, and thermodynamic stability) performed at Invitae indicates that this missense variant is expected to disrupt SCN1A protein function with a positive predictive value of 95%. For these reasons, this variant has been classified as Pathogenic.

3billion
Classification: Pathogenic for Generalized epilepsy with febrile seizures plus, type 2. Last evaluated: 2022-01-03. Review status: criteria provided, single submitter. Criteria: ACMG Guidelines, 2015. Collection method: clinical testing. Allele origin: germline. Affected: yes. Observed: 1 heterozygote.
Comment: Same nucleotide change resulting in same amino acid change has been previously reported to be associated with SCN1A related disorder (ClinVar ID: VCV000838246, PS1_P). The variant has been previously reported as de novo in a similarly affected individual (PS2_S). In silico tool predictions suggest damaging effect of the variant on gene or gene product (REVEL: 0.945, 3CNET: 0.993, PP3_P). It is not observed in the gnomAD v2.1.1 dataset (PM2_M). The variant is located in a well-established functional domain or exonic hotspot, where pathogenic variants have frequently reported (PM1_M). Therefore, this variant is classified as pathogenic according to the recommendation of ACMG/AMP guideline.

Literature cited by the submitters: PubMed 17347258 (cited by Labcorp Genetics (formerly Invitae), Labcorp); PubMed 30558019 (cited by Labcorp Genetics (formerly Invitae), Labcorp and 3billion).

NM_001165963.4(SCN1A):c.2835C>G (p.Phe945Leu)

Gene: SCN1A (sodium voltage-gated channel alpha subunit 1; minus strand). Cytogenetic location: 2q24.3.
Variant type: single nucleotide variant.
Coding change: c.2835C>G on transcript NM_001165963.4 (MANE Select); coding-DNA position 2835, C replaced by G.
Protein change: p.Phe945Leu; replaces phenylalanine 945 with leucine.
Molecular consequence: missense variant. On other transcripts: non-coding transcript variant (1).
Genome position (GRCh38, 1-based): chr2:166,037,887, G>C on the plus strand (C>G on the coding strand, the complement: SCN1A is on the minus strand). VCF-style: chr2-166037887-G-C. GRCh37 (hg19) VCF-style: chr2-166894397-G-C.
Other names: c.2751C>G, p.Phe917Leu (NM_001165964.3, NM_001353957.2, NM_001353958.2); c.2835C>G, p.Phe945Leu (NM_001202435.3, NM_001353948.2); c.2802C>G, p.Phe934Leu (NM_001353949.2, NM_001353950.2, NM_001353951.2 and 2 more transcripts); c.2799C>G, p.Phe933Leu (NM_001353954.2, NM_001353955.2); c.2748C>G, p.Phe916Leu (NM_001353960.2); c.393C>G, p.Phe131Leu (NM_001353961.2); short protein forms F916L, F917L, F131L, F933L, F934L, F945L.
Identifiers: ClinVar variation 838246 (VCV000838246.10), dbSNP rs1696628056, ClinGen allele CA349061248.